The following is an entry in ClinVar:

NM_001288705.3(CSF1R):c.733G>T (p.Ala245Ser)

Gene: CSF1R (colony stimulating factor 1 receptor; minus strand). Cytogenetic location: 5q32.
Variant type: single nucleotide variant.
Coding change: c.733G>T on transcript NM_001288705.3 (MANE Select); coding-DNA position 733, G replaced by T.
Protein change: p.Ala245Ser; replaces alanine 245 with serine.
Molecular consequence: missense variant. On other transcripts: non-coding transcript variant (2).
Genome position (GRCh38, 1-based): chr5:150,077,432, C>A on the plus strand (G>T on the coding strand, the complement: CSF1R is on the minus strand). VCF-style: chr5-150077432-C-A. GRCh37 (hg19) VCF-style: chr5-149456995-C-A.
Other names: c.733G>T, p.Ala245Ser (NM_001349736.2, NM_001375320.1, NM_005211.4); c.289G>T, p.Ala97Ser (NM_001375321.1); short protein forms A245S, A97S.
Identifiers: ClinVar variation 352163 (VCV000352163.20), dbSNP rs41338945, ClinGen allele CA3507075.

ClinVar aggregate classification (germline): Benign. Review status: criteria provided, multiple submitters, no conflicts (2 of 4 stars). 6 submissions from 6 submitters: Benign (4). 2 of the submissions do not count toward it. Last evaluated 2026-01-27.

Conditions:
Hereditary diffuse leukoencephalopathy with spheroids. Also called: LEUKOENCEPHALOPATHY, ADULT-ONSET, WITH AXONAL SPHEROIDS AND PIGMENTED GLIA. Identifiers: Orphanet 313808, MedGen C3711381, MONDO:0030796.

Allele frequency attached by ClinVar (database versions not stated): gnomAD 0.02627; TOPMed 0.03037; ESP Exome Variant Server 0.03106; 1000 Genomes Project 0.03375; 1000 Genomes Project 30x 0.03638.
gnomAD v4.1: 8,090 of 1,610,236 alleles (0.5%); highest among the groups gnomAD compares: African/African-American, 9.6%; 352 homozygotes.

Submissions (6):

Labcorp Genetics (formerly Invitae), Labcorp
Classification: Benign. Last evaluated: 2026-01-27. Review status: criteria provided, single submitter. Criteria: Invitae Variant Classification Sherloc (09022015). Collection method: clinical testing. Allele origin: germline.

Mayo Clinic Laboratories, Mayo Clinic
Classification: Benign. Last evaluated: 2025-06-30. Review status: criteria provided, single submitter. Criteria: ACMG Guidelines, 2015. Collection method: clinical testing. Allele origin: germline. Observed: 9 variant alleles.
Comment: BA1, BP4_moderate

GeneDx
Classification: Benign. Last evaluated: 2019-10-16. Review status: criteria provided, single submitter. Criteria: GeneDx Variant Classification Process June 2021. Collection method: clinical testing. Allele origin: germline. Affected: yes.
Comment: This variant is associated with the following publications: (PMID: 31182772)

Illumina Laboratory Services, Illumina
Classification: Benign for Leukoencephalopathy, diffuse hereditary, with spheroids 1. Last evaluated: 2018-01-13. Review status: criteria provided, single submitter. Criteria: ICSL Variant Classification Criteria 13 December 2019. Collection method: clinical testing. Allele origin: germline.
Comment: This variant was observed in the ICSL laboratory as part of a predisposition screen in an ostensibly healthy population. It had not been previously curated by ICSL or reported in the Human Gene Mutation Database (HGMD: prior to June 1st, 2018), and was therefore a candidate for classification through an automated scoring system. Utilizing variant allele frequency, disease prevalence and penetrance estimates, and inheritance mode, an automated score was calculated to assess if this variant is too frequent to cause the disease. Based on the score and internal cut-off values, a variant classified as benign is not then subjected to further curation. The score for this variant resulted in a classification of benign for this disease.

Genome Diagnostics Laboratory, Amsterdam University Medical Center
Classification: Likely benign. Review status: no assertion criteria provided. Collection method: clinical testing. Allele origin: germline. Affected: yes. Study: VKGL Data-share Consensus. Not counted in ClinVar's aggregate classification.

Laboratory of Diagnostic Genome Analysis, Leiden University Medical Center (LUMC)
Classification: Likely benign. Review status: no assertion criteria provided. Collection method: clinical testing. Allele origin: germline. Affected: yes. Study: VKGL Data-share Consensus. Not counted in ClinVar's aggregate classification.